The following is an entry in ClinVar:

NM_018979.4(WNK1):c.2140-3403dup

Gene: WNK1 (WNK lysine deficient protein kinase 1; plus strand). Cytogenetic location: 12p13.33.
Variant type: Duplication.
Coding change: c.2140-3403dup on transcript NM_018979.4 (MANE Select); 3403 bases into the intron before coding-DNA position 2140, one base duplicated (A; older notation c.2140-3403dupA).
Molecular consequence: intron variant.
Genome position (GRCh38, 1-based): chr12:867,862, A duplicated. VCF-style (leftmost placement, unchanged base first): chr12-867861-T-TA. GRCh37 (hg19) VCF-style: chr12-977027-T-TA.
Other names: c.2395-4dup (NM_213655.5); c.2140-4dup (NM_001184985.2); c.2140-3403dup (NM_014823.3).
Identifiers: ClinVar variation 2929678 (VCV002929678.16), dbSNP rs1258146307, ClinGen allele CA478083320.

ClinVar aggregate classification (germline): Uncertain significance. Review status: criteria provided, multiple submitters, no conflicts (2 of 4 stars). 2 submissions from 2 submitters: Uncertain significance (2). Last evaluated 2024-12-01.

Conditions:
Neuropathy, hereditary sensory and autonomic, type 2A (HSAN2A). Also called: MORVAN DISEASE; NEUROPATHY, CONGENITAL SENSORY; NEUROPATHY, HEREDITARY SENSORY RADICULAR, AUTOSOMAL RECESSIVE; NEUROPATHY, HEREDITARY SENSORY, TYPE IIA; NEUROPATHY, PROGRESSIVE SENSORY, OF CHILDREN; ACROOSTEOLYSIS, GIACCAI TYPE. Identifiers: Orphanet 970, MedGen C2752089, MONDO:0024309, OMIM 201300.
Pseudohypoaldosteronism type 2C (PHA2C). Also called: Pseudohypoaldosteronism Type IIC. Identifiers: Orphanet 757, Orphanet 88940, MedGen C1840391, MONDO:0013778, OMIM 614492.

Allele frequency attached by ClinVar (database versions not stated): gnomAD exomes 0.00002.

Submissions (2):

CeGaT Center for Human Genetics Tuebingen
Classification: Uncertain significance. Last evaluated: 2024-12-01. Review status: criteria provided, single submitter. Criteria: CeGaT Center For Human Genetics Tuebingen Variant Classification Criteria Version 2. Collection method: clinical testing. Allele origin: germline. Affected: yes. Observed: 1 variant allele.
Comment: WNK1: PM2, BP4

Labcorp Genetics (formerly Invitae), Labcorp
Classification: Uncertain significance for Neuropathy, hereditary sensory and autonomic, type 2A; Pseudohypoaldosteronism type 2C. Last evaluated: 2024-03-27. Review status: criteria provided, single submitter. Criteria: Invitae Variant Classification Sherloc (09022015). Collection method: clinical testing. Allele origin: germline.
Comment: This sequence change falls in intron 9 of the WNK1 gene. It does not directly change the encoded amino acid sequence of the WNK1 protein. This variant is present in population databases (no rsID available, gnomAD 0.002%). This variant has not been reported in the literature in individuals affected with WNK1-related conditions. Algorithms developed to predict the effect of sequence changes on RNA splicing suggest that this variant may disrupt the consensus splice site. In summary, the available evidence is currently insufficient to determine the role of this variant in disease. Therefore, it has been classified as a Variant of Uncertain Significance.